The following is an entry in ClinVar:

NM_000551.4(VHL):c.170_177del (p.Gly57fs)

Gene: VHL (von Hippel-Lindau tumor suppressor; plus strand). Cytogenetic location: 3p25.3.
Variant type: Deletion.
Coding change: c.170_177del on transcript NM_000551.4 (MANE Select); coding-DNA positions 170 to 177, 8 bases deleted (GGCGGCCG; older notation c.170_177delGGCGGCCG).
Protein change: p.Gly57fs; shifts the reading frame from glycine 57.
Molecular consequence: frameshift variant. On other transcripts: non-coding transcript variant (1).
Genome position (GRCh38, 1-based): chr3:10,142,017-10,142,024, GGCGGCCG deleted; deleting any 8 consecutive bases within chr3:10,142,012-10,142,024 gives the same sequence; the c. name uses the placement nearest the transcript's 3' end. VCF-style (leftmost placement, unchanged base first): chr3-10142011-AGGCCGGGC-A. GRCh37 (hg19) VCF-style: chr3-10183695-AGGCCGGGC-A.
Other names: c.170_177del, p.Gly57fs (NM_001354723.2, NM_198156.3); short protein forms G57fs.
Identifiers: ClinVar variation 2674430 (VCV002674430.1), dbSNP rs2470157878, ClinGen allele CA645524644.

ClinVar aggregate classification (germline): Pathogenic (1 of 4 stars; one submission).

Conditions:
Von Hippel-Lindau syndrome (VHLS). Also called: Von Hippel-Lindau; von Hippel–Lindau syndrome; VHL syndrome. Identifiers: Orphanet 892, MedGen C0019562, MONDO:0008667, OMIM 193300. Disease mechanism: loss of function.

Submission:

Myriad Genetics, Inc.
Classification: Pathogenic for Von Hippel-Lindau syndrome. Last evaluated: 2023-08-28. Review status: criteria provided, single submitter. Criteria: Myriad Autosomal Dominant, Autosomal Recessive and X-Linked Classification Criteria (2023). Collection method: clinical testing. Allele origin: unknown.
Comment: This variant is considered pathogenic. This variant creates a frameshift predicted to result in premature protein truncation.